The following is an entry in ClinVar:

ClinVar aggregate classification (germline): Uncertain significance (1 of 4 stars; one submission).

Conditions:
Hereditary cancer-predisposing syndrome. Also called: Neoplastic Syndromes, Hereditary; Tumor predisposition; Hereditary Cancer Syndrome; Hereditary neoplastic syndrome. Identifiers: Orphanet 140162, MedGen C0027672, MeSH D009386, MONDO:0015356.

gnomAD v4.1: 1 of 1,614,116 alleles (0.000062%); highest among the groups gnomAD compares: Non-Finnish European, 0.000085%; no homozygotes.

Submission:

Ambry Genetics
Classification: Uncertain significance for Hereditary cancer-predisposing syndrome. Last evaluated: 2025-10-10. Review status: criteria provided, single submitter. Criteria: Ambry Variant Classification Scheme 2023. Collection method: clinical testing. Allele origin: germline.
Comment: The p.E616D variant (also known as c.1848G>T), located in coding exon 5 of the MET gene, results from a G to T substitution at nucleotide position 1848. The glutamic acid at codon 616 is replaced by aspartic acid, an amino acid with highly similar properties. This amino acid position is conserved. In addition, this alteration is predicted to be tolerated by in silico analysis. Since supporting evidence is limited at this time, the clinical significance of this alteration remains unclear.

NM_000245.4(MET):c.1848G>T (p.Glu616Asp)

Gene: MET (MET proto-oncogene, receptor tyrosine kinase; plus strand). Cytogenetic location: 7q31.2.
Variant type: single nucleotide variant.
Coding change: c.1848G>T on transcript NM_000245.4 (MANE Select); coding-DNA position 1848, G replaced by T.
Protein change: p.Glu616Asp; replaces glutamic acid 616 with aspartic acid.
Molecular consequence: missense variant.
Genome position (GRCh38, 1-based): chr7:116,755,501, G>T. VCF-style: chr7-116755501-G-T. GRCh37 (hg19) VCF-style: chr7-116395555-G-T.
Other names: c.1848G>T, p.Glu616Asp (NM_001127500.3, NM_001324401.3); c.558G>T, p.Glu186Asp (NM_001324402.2); short protein forms E616D, E186D.
Identifiers: ClinVar variation 1781280 (VCV001781280.3), dbSNP rs2116910921, ClinGen allele CA368978311.